The following is an entry in ClinVar:

ClinVar aggregate classification (germline): Uncertain significance (1 of 4 stars; one submission).

Allele frequency attached by ClinVar (database versions not stated): gnomAD exomes below 0.00001.
gnomAD v4.1: 1 of 1,614,066 alleles (0.000062%); highest among the groups gnomAD compares: Non-Finnish European, 0.000085%; no homozygotes.

Submission:

Labcorp Genetics (formerly Invitae), Labcorp
Classification: Uncertain significance. Last evaluated: 2022-06-19. Review status: criteria provided, single submitter. Criteria: Invitae Variant Classification Sherloc (09022015). Collection method: clinical testing. Allele origin: germline.
Comment: In summary, the available evidence is currently insufficient to determine the role of this variant in disease. Therefore, it has been classified as a Variant of Uncertain Significance. Variants that disrupt the consensus splice site are a relatively common cause of aberrant splicing (PMID: 17576681, 9536098). Algorithms developed to predict the effect of sequence changes on RNA splicing suggest that this variant is not likely to affect RNA splicing. This variant has not been reported in the literature in individuals affected with ALPL-related conditions. This variant is not present in population databases (gnomAD no frequency). This sequence change falls in intron 7 of the ALPL gene. It does not directly change the encoded amino acid sequence of the ALPL protein. It affects a nucleotide within the consensus splice site.

Literature cited by the submitters: PubMed 17576681; PubMed 9536098.

NM_000478.6(ALPL):c.792+4G>T

Gene: ALPL (alkaline phosphatase, biomineralization associated; plus strand). Cytogenetic location: 1p36.12.
Variant type: single nucleotide variant.
Coding change: c.792+4G>T on transcript NM_000478.6 (MANE Select); 4 bases into the intron after coding-DNA position 792, G replaced by T.
Molecular consequence: intron variant.
Genome position (GRCh38, 1-based): chr1:21,568,251, G>T. VCF-style: chr1-21568251-G-T. GRCh37 (hg19) VCF-style: chr1-21894744-G-T.
Other names: c.792+4G>T (NM_001369805.2, NM_001369804.2, NM_001369803.2); c.627+4G>T (NM_001127501.4); c.561+4G>T (NM_001177520.3).
Identifiers: ClinVar variation 2008244 (VCV002008244.4), dbSNP rs1644596055, ClinGen allele CA1158016179.
Genomic context (GRCh38, chr1:21,568,251, plus strand): 5'-AGGCTGGACGGCCTGGACCTCGTTGACACCTGGAAGAGCTTCAAACCGAGATACAAGGTA[G>T]CCTGTGCTGGGGCCATGTGGCTGCAGAGGTGGCCTGTGATGGGGAGAGGCTGTGTGACCC-3'